The following is an entry in ClinVar:

NM_177438.3(DICER1):c.5430T>C (p.Asp1810=)

Gene: DICER1 (dicer 1, ribonuclease III; minus strand). Cytogenetic location: 14q32.13.
Variant type: single nucleotide variant.
Coding change: c.5430T>C on transcript NM_177438.3 (MANE Select); coding-DNA position 5430, T replaced by C.
Protein change: p.Asp1810=; no amino-acid change (aspartic acid 1810 retained).
Molecular consequence: synonymous variant. On other transcripts: non-coding transcript variant (6), intron variant (1).
Genome position (GRCh38, 1-based): chr14:95,091,300, A>G on the plus strand (T>C on the coding strand, the complement: DICER1 is on the minus strand). VCF-style: chr14-95091300-A-G. GRCh37 (hg19) VCF-style: chr14-95557637-A-G.
Other names: c.5365-191T>C (NM_001195573.1); c.5430T>C, p.Asp1810= (NM_001271282.3, NM_001291628.2, NM_001395677.1 and 7 more transcripts); c.5148T>C, p.Asp1716= (NM_001395686.1); c.5025T>C, p.Asp1675= (NM_001395687.1, NM_001395688.1, NM_001395689.1 and 1 more transcripts); c.4863T>C, p.Asp1621= (NM_001395691.1); c.3747T>C, p.Asp1249= (NM_001395697.1).
Identifiers: ClinVar variation 4875850 (VCV004875850.1).
Genomic context (GRCh38, chr14:95,091,300, plus strand): 5'-GACTGTCTCCAGTGACATCCCACTATCCATGTAAATGGCACCAGCAAGCGACTCAAAAAT[A>G]TCCCCCATGGCCTTTGGAACTTCAATATCCTCTTCTTTCTCTTCATCCTCCTCAGATCTC-3'
Protein context (NP_803187.1, residues 1800-1820): EDIEVPKAMG[Asp1810=]IFESLAGAIY

ClinVar aggregate classification (germline): Benign (1 of 4 stars; one submission).

Conditions:
DICER1-related tumor predisposition. Also called: DICER1-related pleuropulmonary blastoma cancer predisposition syndrome; DICER1 syndrome. Identifiers: Orphanet 284343, MedGen C3839822, MONDO:0100216.

gnomAD v4.1: 1 of 1,614,128 alleles (0.000062%); highest among the groups gnomAD compares: Admixed American, 0.0017%; no homozygotes.

Submission:

Myriad Genetics, Inc.
Classification: Benign for DICER1-related tumor predisposition. Last evaluated: 2026-04-21. Review status: criteria provided, single submitter. Criteria: Myriad Autosomal Dominant, Autosomal Recessive and X-Linked Classification Criteria (2023). Collection method: clinical testing. Allele origin: unknown.
Comment: This variant is considered benign. This variant is a silent/synonymous amino acid change and it is not expected to impact splicing.